The following is an entry in ClinVar:

ClinVar aggregate classification (germline): Uncertain significance. Review status: criteria provided, multiple submitters, no conflicts (2 of 4 stars). 2 submissions from 2 submitters: Uncertain significance (2). Last evaluated 2024-05-15.

Allele frequency attached by ClinVar (database versions not stated): ExAC 0.00001; gnomAD 0.00001; TOPMed 0.00002; gnomAD exomes 0.00003.
gnomAD v4.1: 43 of 1,613,944 alleles (0.0027%); highest among the groups gnomAD compares: Middle Eastern, 0.082%; no homozygotes.

Submissions (2):

Ambry Genetics
Classification: Uncertain significance. Last evaluated: 2024-05-15. Review status: criteria provided, single submitter. Criteria: Ambry Variant Classification Scheme 2023. Collection method: clinical testing. Allele origin: germline.

Labcorp Genetics (formerly Invitae), Labcorp
Classification: Uncertain significance. Last evaluated: 2023-06-21. Review status: criteria provided, single submitter. Criteria: Invitae Variant Classification Sherloc (09022015). Collection method: clinical testing. Allele origin: germline.
Comment: In summary, the available evidence is currently insufficient to determine the role of this variant in disease. Therefore, it has been classified as a Variant of Uncertain Significance. This sequence change replaces histidine, which is basic and polar, with arginine, which is basic and polar, at codon 880 of the KL protein (p.His880Arg). This variant is present in population databases (rs762993720, gnomAD 0.003%). This variant has not been reported in the literature in individuals affected with KL-related conditions. ClinVar contains an entry for this variant (Variation ID: 2082497). Algorithms developed to predict the effect of missense changes on protein structure and function output the following: SIFT: "Not Available"; PolyPhen-2: "Benign"; Align-GVGD: "Not Available". The arginine amino acid residue is found in multiple mammalian species, which suggests that this missense change does not adversely affect protein function.

NM_004795.4(KL):c.2639A>G (p.His880Arg)

Gene: KL (klotho; plus strand). Cytogenetic location: 13q13.1.
Variant type: single nucleotide variant.
Coding change: c.2639A>G on transcript NM_004795.4 (MANE Select); coding-DNA position 2639, A replaced by G.
Protein change: p.His880Arg; replaces histidine 880 with arginine.
Molecular consequence: missense variant.
Genome position (GRCh38, 1-based): chr13:33,061,718, A>G. VCF-style: chr13-33061718-A-G. GRCh37 (hg19) VCF-style: chr13-33635855-A-G.
Other names: c.2639A>G (NM_004795.3); short protein forms H880R.
Identifiers: ClinVar variation 2082497 (VCV002082497.5), dbSNP rs762993720, ClinGen allele CA6944347.